The following is an entry in ClinVar:

ClinVar aggregate classification (germline): Uncertain significance (1 of 4 stars; one submission).

Conditions:
Cardiovascular phenotype. Identifiers: MedGen CN230736.

Submission:

Ambry Genetics
Classification: Uncertain significance for Cardiovascular phenotype. Last evaluated: 2026-08-10. Review status: criteria provided, single submitter. Criteria: Ambry Variant Classification Scheme 2023. Collection method: clinical testing. Allele origin: germline.
Comment: The p.K1262T variant (also known as c.3785A>C), located in coding exon 26 of the MYH7 gene, results from an A to C substitution at nucleotide position 3785. The lysine at codon 1262 is replaced by threonine, an amino acid with similar properties. This amino acid position is conserved. In addition, the in silico prediction for this alteration is inconclusive. Based on the available evidence, the clinical significance of this variant remains unclear.

NM_000257.4(MYH7):c.3785A>C (p.Lys1262Thr)

Gene: MYH7 (myosin heavy chain 7; minus strand). Cytogenetic location: 14q11.2.
Variant type: single nucleotide variant.
Coding change: c.3785A>C on transcript NM_000257.4 (MANE Select); coding-DNA position 3785, A replaced by C.
Protein change: p.Lys1262Thr; replaces lysine 1262 with threonine.
Molecular consequence: missense variant.
Genome position (GRCh38, 1-based): chr14:23,419,551, T>G on the plus strand (A>C on the coding strand, the complement: MYH7 is on the minus strand). VCF-style: chr14-23419551-T-G. GRCh37 (hg19) VCF-style: chr14-23888760-T-G.
Other names: c.3785A>C, p.Lys1262Thr (NM_001407004.1); short protein forms K1262T.
Identifiers: ClinVar variation 5025174 (VCV005025174.1).